The following is an entry in ClinVar:

NM_014865.4(NCAPD2):c.1406C>T (p.Ala469Val)

Gene: NCAPD2 (non-SMC condensin I complex subunit D2; plus strand). Cytogenetic location: 12p13.31.
Variant type: single nucleotide variant.
Coding change: c.1406C>T on transcript NM_014865.4 (MANE Select); coding-DNA position 1406, C replaced by T.
Protein change: p.Ala469Val; replaces alanine 469 with valine.
Molecular consequence: missense variant.
Genome position (GRCh38, 1-based): chr12:6,517,681, C>T. VCF-style: chr12-6517681-C-T. GRCh37 (hg19) VCF-style: chr12-6626847-C-T.
Other names: NC_000012.11:g.6626847C>T; c.1406C>T (NM_014865.3); short protein forms A469V.
Identifiers: ClinVar variation 2445958 (VCV002445958.2), dbSNP rs374668663, ClinGen allele CA6408393.

ClinVar aggregate classification (germline): Uncertain significance (1 of 4 stars; one submission).

Allele frequency attached by ClinVar (database versions not stated): gnomAD 0.00006; TOPMed 0.00006; ExAC 0.00007; ESP Exome Variant Server 0.00015.
gnomAD v4.1: 94 of 1,614,130 alleles (0.0058%); highest among the groups gnomAD compares: Non-Finnish European, 0.0075%; no homozygotes.

Submissions (2):

Women's Health and Genetics/Laboratory Corporation of America, LabCorp
Classification: Uncertain significance. Last evaluated: 2023-02-24. Review status: criteria provided, single submitter. Criteria: LabCorp Variant Classification Summary - May 2015. Collection method: clinical testing. Allele origin: germline.
Comment: Variant summary: NCAPD2 c.1406C>T (p.Ala469Val) results in a non-conservative amino acid change in the encoded protein sequence. Four of five in-silico tools predict a benign effect of the variant on protein function. The variant allele was found at a frequency of 4.8e-05 in 251436 control chromosomes. To our knowledge, no occurrence of c.1406C>T in individuals affected with Microcephaly 21, Primary, Autosomal Recessive and no experimental evidence demonstrating its impact on protein function have been reported. No clinical diagnostic laboratories have submitted clinical-significance assessments for this variant to ClinVar after 2014. Based on the evidence outlined above, the variant was classified as uncertain significance.

Dr. Peter K. Rogan Lab, Western University
No classification provided (evidence only). Condition: Ovarian serous cystadenocarcinoma. Review status: no classification provided. Collection method: in vitro. Allele origin: not applicable. Functional consequence: retained intron. Not counted in ClinVar's aggregate classification.